The following is an entry in ClinVar:

NM_013382.7(POMT2):c.1433A>G (p.His478Arg)

Gene: POMT2 (protein O-mannosyltransferase 2; minus strand). Cytogenetic location: 14q24.3.
Variant type: single nucleotide variant.
Coding change: c.1433A>G on transcript NM_013382.7 (MANE Select); coding-DNA position 1433, A replaced by G.
Protein change: p.His478Arg; replaces histidine 478 with arginine.
Molecular consequence: missense variant.
Genome position (GRCh38, 1-based): chr14:77,285,532, T>C on the plus strand (A>G on the coding strand, the complement: POMT2 is on the minus strand). VCF-style: chr14-77285532-T-C. GRCh37 (hg19) VCF-style: chr14-77751875-T-C.
Other names: short protein forms H478R.
Identifiers: ClinVar variation 850492 (VCV000850492.9), dbSNP rs765346043, ClinGen allele CA7285856.
Genomic context (GRCh38, chr14:77,285,532, plus strand): 5'-GAGACTTACCACTTGGGCAGAACCTTTCCCGAGGAGCCCAGGACACAACCTGTGACCAAA[T>C]GGATGAAGCGAATTCGACTTCTCAGCACTTTGATCCGGTTTCCAAATTTCCTGTTTACGA-3'
Protein context (NP_037514.2, residues 468-488): KVLRSRIRFI[His478Arg]LVTGCVLGSS

ClinVar aggregate classification (germline): Conflicting classifications of pathogenicity. Review status: criteria provided, conflicting classifications (1 of 4 stars). 2 submissions from 2 submitters: Likely pathogenic (1); Uncertain significance (1). Last evaluated 2025-10-02.

Conditions:
Muscular dystrophy-dystroglycanopathy (congenital with brain and eye anomalies), type A2. Also called: MUSCULAR DYSTROPHY-DYSTROGLYCANOPATHY (CONGENITAL WITH BRAIN AND EYE ANOMALIES), TYPE A, 2; WALKER-WARBURG SYNDROME OR MUSCLE-EYE-BRAIN DISEASE, POMT2-RELATED. Identifiers: Orphanet 588, Orphanet 899, MedGen C3150411, MONDO:0013154, OMIM 613150.
Muscular dystrophy-dystroglycanopathy (congenital with impaired intellectual development), type B, 2. Also called: MUSCULAR DYSTROPHY, CONGENITAL, POMT2-RELATED; Muscular dystrophy-dystroglycanopathy (congenital with intellectual disability), type B2. Identifiers: MedGen C3150416, MONDO:0013160, OMIM 613156.
Autosomal recessive limb-girdle muscular dystrophy type 2N. Also called: MUSCULAR DYSTROPHY-DYSTROGLYCANOPATHY, LIMB-GIRDLE, POMT2-RELATED; Muscular dystrophy-dystroglycanopathy (limb-girdle), type C, 2. Identifiers: Orphanet 206559, MedGen C3150418, MONDO:0013162, OMIM 613158.

Allele frequency attached by ClinVar (database versions not stated): gnomAD exomes 0.00001 and below 0.00001; TOPMed 0.00001; ExAC 0.00001; gnomAD 0.00001.
gnomAD v4.1: 15 of 1,614,032 alleles (0.00093%); highest among the groups gnomAD compares: Non-Finnish European, 0.0013%; no homozygotes.

Submissions (2):

Labcorp Genetics (formerly Invitae), Labcorp
Classification: Uncertain significance for Muscular dystrophy-dystroglycanopathy (congenital with impaired intellectual development), type B, 2; Muscular dystrophy-dystroglycanopathy (congenital with brain and eye anomalies), type A2; Autosomal recessive limb-girdle muscular dystrophy type 2N. Last evaluated: 2025-10-02. Review status: criteria provided, single submitter. Criteria: Invitae Variant Classification Sherloc (09022015). Collection method: clinical testing. Allele origin: germline.
Comment: This sequence change replaces histidine, which is basic and polar, with arginine, which is basic and polar, at codon 478 of the POMT2 protein (p.His478Arg). This variant is present in population databases (rs765346043, gnomAD 0.007%). This missense change has been observed in individual(s) with Walker-Warburg syndrome (PMID: 22958903, 28980384). In at least one individual the data is consistent with being in trans (on the opposite chromosome) from a pathogenic variant. ClinVar contains an entry for this variant (Variation ID: 850492). Invitae Evidence Modeling of protein sequence and biophysical properties (such as structural, functional, and spatial information, amino acid conservation, physicochemical variation, residue mobility, and thermodynamic stability) has been performed for this missense variant. However, the output from this modeling did not meet the statistical confidence thresholds required to predict the impact of this variant on POMT2 protein function. In summary, the available evidence is currently insufficient to determine the role of this variant in disease. Therefore, it has been classified as a Variant of Uncertain Significance.

Baylor Genetics
Classification: Likely pathogenic for Muscular dystrophy-dystroglycanopathy (congenital with brain and eye anomalies), type A2. Last evaluated: 2023-09-19. Review status: criteria provided, single submitter. Criteria: ACMG Guidelines, 2015. Collection method: clinical testing. Allele origin: unknown.

Literature cited by the submitters: PubMed 22958903 (cited by Labcorp Genetics (formerly Invitae), Labcorp); PubMed 28980384 (cited by Labcorp Genetics (formerly Invitae), Labcorp).